The following is an entry in ClinVar:

ClinVar aggregate classification (germline): Uncertain significance (1 of 4 stars; one submission).

Conditions:
Osteogenesis imperfecta type 7 (OI7). Also called: OI type 7; OI type VII; OSTEOGENESIS IMPERFECTA, TYPE IIB; Osteogenesis imperfecta type 2B; OI type 2B; Osteogenesis imperfecta, perinatal lethal autosomal recessive. Identifiers: MedGen C1853162, MONDO:0012536, OMIM 610682.

Allele frequency attached by ClinVar (database versions not stated): gnomAD exomes below 0.00001; gnomAD 0.00001; TOPMed 0.00002.
gnomAD v4.1: 4 of 1,552,094 alleles (0.00026%); highest among the groups gnomAD compares: Admixed American, 0.0038%; no homozygotes.

Submission:

Labcorp Genetics (formerly Invitae), Labcorp
Classification: Uncertain significance for Osteogenesis imperfecta type 7. Last evaluated: 2021-08-27. Review status: criteria provided, single submitter. Criteria: Invitae Variant Classification Sherloc (09022015). Collection method: clinical testing. Allele origin: germline.
Comment: This sequence change replaces arginine with histidine at codon 115 of the CRTAP protein (p.Arg115His). The arginine residue is highly conserved and there is a small physicochemical difference between arginine and histidine. The frequency data for this variant in the population databases is considered unreliable, as metrics indicate insufficient coverage at this position in the ExAC database. This variant has not been reported in the literature in individuals affected with CRTAP-related conditions. Algorithms developed to predict the effect of missense changes on protein structure and function are either unavailable or do not agree on the potential impact of this missense change (SIFT: "Deleterious"; PolyPhen-2: "Benign"; Align-GVGD: "Class C0"). In summary, the available evidence is currently insufficient to determine the role of this variant in disease. Therefore, it has been classified as a Variant of Uncertain Significance.

NM_006371.5(CRTAP):c.344G>A (p.Arg115His)

Gene: CRTAP (cartilage associated protein; plus strand). Cytogenetic location: 3p22.3.
Variant type: single nucleotide variant.
Coding change: c.344G>A on transcript NM_006371.5 (MANE Select); coding-DNA position 344, G replaced by A.
Protein change: p.Arg115His; replaces arginine 115 with histidine.
Molecular consequence: missense variant.
Genome position (GRCh38, 1-based): chr3:33,114,421, G>A. VCF-style: chr3-33114421-G-A. GRCh37 (hg19) VCF-style: chr3-33155913-G-A.
Other names: short protein forms R115H.
Identifiers: ClinVar variation 850841 (VCV000850841.4), dbSNP rs867761925, ClinGen allele CA72699609.
Genomic context (GRCh38, chr3:33,114,421, plus strand): 5'-AGCCCGCCGCCGGCCTCGCCAGCTATCCCGAGCTGCGCCTCTTCGGGGGCCTGCTGCGCC[G>A]CGCGCACTGCCTCAAGCGCTGCAAGCAGGGCCTGCCAGCCTTCCGCCAGTCCCAGCCCAG-3'
Protein context (NP_006362.1, residues 105-125): ELRLFGGLLR[Arg115His]AHCLKRCKQG